The following is an entry in ClinVar:

ClinVar aggregate classification (germline): Likely benign (1 of 4 stars; one submission).

Allele frequency attached by ClinVar (database versions not stated): TOPMed below 0.00001.
gnomAD v4.1: 2 of 1,520,282 alleles (0.00013%); highest among the groups gnomAD compares: Non-Finnish European, 0.00018%; no homozygotes.

Submission:

CeGaT Center for Human Genetics Tuebingen
Classification: Likely benign. Last evaluated: 2023-02-01. Review status: criteria provided, single submitter. Criteria: CeGaT Center For Human Genetics Tuebingen Variant Classification Criteria Version 2. Collection method: clinical testing. Allele origin: germline. Affected: yes. Observed: 1 variant allele.
Comment: MMD: BP4, BP7

NM_012329.3(MMD):c.534T>C (p.Leu178=)

Gene: MMD (monocyte to macrophage differentiation associated; minus strand). Cytogenetic location: 17q22.
Variant type: single nucleotide variant.
Coding change: c.534T>C on transcript NM_012329.3 (MANE Select); coding-DNA position 534, T replaced by C.
Protein change: p.Leu178=; no amino-acid change (leucine 178 retained).
Molecular consequence: synonymous variant.
Genome position (GRCh38, 1-based): chr17:55,394,517, A>G on the plus strand (T>C on the coding strand, the complement: MMD is on the minus strand). VCF-style: chr17-55394517-A-G. GRCh37 (hg19) VCF-style: chr17-53471878-A-G.
Identifiers: ClinVar variation 2647947 (VCV002647947.24), dbSNP rs1487563995, ClinGen allele CA500731140.